The following is an entry in ClinVar:

NC_000002.11:g.(?_17034358)_(17963206_?)dup

Genes: GEN1 (GEN1 Holliday junction 5' flap endonuclease; plus strand), RAD51AP2 (RAD51 associated protein 2; minus strand), SMC6 (structural maintenance of chromosomes 6; minus strand), VSNL1 (visinin like 1; plus strand). Cytogenetic location: 2p24.2.
Variant type: Duplication.
Identifiers: ClinVar variation 1012059 (VCV001012059.1).

ClinVar aggregate classification (germline): Uncertain significance (1 of 4 stars; one submission).

Submission:

Labcorp Genetics (formerly Invitae), Labcorp
Classification: Uncertain significance. Last evaluated: 2020-01-13. Review status: criteria provided, single submitter. Criteria: Invitae Variant Classification Sherloc (09022015). Collection method: clinical testing. Allele origin: germline.
Comment: This variant results in a copy number gain of the genomic region encompassing the full coding sequence of the GEN1 gene. The boundaries of this event are unknown as they extend beyond the assayed region for this gene and therefore may encompass additional genes. As the precise location of this event is unknown, it may be in tandem or it may be located elsewhere in the genome. This variant has not been reported in the literature in individuals with GEN1-related conditions. Experimental studies and prediction algorithms are not available or were not evaluated, and the functional significance of this variant is currently unknown. In summary, the available evidence is currently insufficient to determine the role of this variant in disease. Therefore, it has been classified as a Variant of Uncertain Significance.